The following is an entry in ClinVar:

ClinVar aggregate classification (germline): Conflicting classifications of pathogenicity. Review status: criteria provided, conflicting classifications (1 of 4 stars). 2 submissions from 2 submitters: Uncertain significance (1); Likely benign (1). Last evaluated 2023-09-21.

Conditions:
Primary ciliary dyskinesia. Also called: Ciliary dyskinesia. Identifiers: Orphanet 244, MedGen C0008780, MONDO:0016575, HP:0012265.

Allele frequency attached by ClinVar (database versions not stated): TOPMed below 0.00001; ExAC 0.00001; gnomAD 0.00002; ESP Exome Variant Server 0.00009.
gnomAD v4.1: 10 of 1,613,166 alleles (0.00062%); highest among the groups gnomAD compares: African/African-American, 0.0013%; no homozygotes.

Submissions (2):

Labcorp Genetics (formerly Invitae), Labcorp
Classification: Likely benign for Primary ciliary dyskinesia. Last evaluated: 2023-09-21. Review status: criteria provided, single submitter. Criteria: Invitae Variant Classification Sherloc (09022015). Collection method: clinical testing. Allele origin: germline.

Ambry Genetics
Classification: Uncertain significance for Primary ciliary dyskinesia. Last evaluated: 2022-03-25. Review status: criteria provided, single submitter. Criteria: Ambry Variant Classification Scheme 2023. Collection method: clinical testing. Allele origin: germline.
Comment: The p.C556Y variant (also known as c.1667G>A), located in coding exon 9 of the DNAH11 gene, results from a G to A substitution at nucleotide position 1667. The cysteine at codon 556 is replaced by tyrosine, an amino acid with highly dissimilar properties. This amino acid position is conserved. In addition, this alteration is predicted to be tolerated by in silico analysis. Since supporting evidence is limited at this time, the clinical significance of this alteration remains unclear.

NM_001277115.2(DNAH11):c.1667G>A (p.Cys556Tyr)

Gene: DNAH11 (dynein axonemal heavy chain 11; plus strand). Cytogenetic location: 7p15.3.
Variant type: single nucleotide variant.
Coding change: c.1667G>A on transcript NM_001277115.2 (MANE Select); coding-DNA position 1667, G replaced by A.
Protein change: p.Cys556Tyr; replaces cysteine 556 with tyrosine.
Molecular consequence: missense variant.
Genome position (GRCh38, 1-based): chr7:21,581,978, G>A. VCF-style: chr7-21581978-G-A. GRCh37 (hg19) VCF-style: chr7-21621596-G-A.
Other names: c.1667G>A, p.Cys556Tyr (NM_003777.3); short protein forms C556Y.
Identifiers: ClinVar variation 1777594 (VCV001777594.5), dbSNP rs370752481, ClinGen allele CA4179057.